The following is an entry in ClinVar:

ClinVar aggregate classification (germline): Benign (1 of 4 stars; one submission).

Allele frequency attached by ClinVar (database versions not stated): gnomAD exomes 0.00184 and 0.00479; ExAC 0.00615; 1000 Genomes Project 0.01737; gnomAD 0.01803 and 0.01942; 1000 Genomes Project 30x 0.01843; TOPMed 0.02033; ESP Exome Variant Server 0.02153.
gnomAD v4.1: 5,512 of 1,609,242 alleles (0.34%); highest among the groups gnomAD compares: African/African-American, 6.3%; 155 homozygotes.

Submission:

GeneDx
Classification: Benign. Last evaluated: 2018-06-14. Review status: criteria provided, single submitter. Criteria: GeneDx Variant Classification (06012015). Collection method: clinical testing. Allele origin: germline. Affected: yes.
Comment: This variant is considered likely benign or benign based on one or more of the following criteria: it is a conservative change, it occurs at a poorly conserved position in the protein, it is predicted to be benign by multiple in silico algorithms, and/or has population frequency not consistent with disease.

NM_001130438.3(SPTAN1):c.2011+28A>G

Gene: SPTAN1 (spectrin alpha, non-erythrocytic 1; plus strand). Cytogenetic location: 9q34.11.
Variant type: single nucleotide variant.
Coding change: c.2011+28A>G on transcript NM_001130438.3 (MANE Select); 28 bases into the intron after coding-DNA position 2011, A replaced by G.
Molecular consequence: intron variant.
Genome position (GRCh38, 1-based): chr9:128,583,309, A>G. VCF-style: chr9-128583309-A-G. GRCh37 (hg19) VCF-style: chr9-131345588-A-G.
Other names: c.2011+28A>G (NM_001363759.2, NM_003127.4, NM_001363765.2 and 1 more transcripts).
Identifiers: ClinVar variation 670872 (VCV000670872.1), dbSNP rs76614650, ClinGen allele CA5264551.